The following is an entry in ClinVar:

ClinVar aggregate classification (germline): Conflicting classifications of pathogenicity. Review status: criteria provided, conflicting classifications (1 of 4 stars). 6 submissions from 6 submitters: Uncertain significance (2); Likely benign (4). Last evaluated 2026-01-18.

Conditions:
Charcot-Marie-Tooth disease type 2. Also called: Charcot-Marie-Tooth type 2. Identifiers: Orphanet 64746, MedGen C0270914, MONDO:0018993.
Primary dilated cardiomyopathy (DCM). Also called: Dilated Cardiomyopathy. Identifiers: Orphanet 217604, MedGen C0007193, MeSH D002311, MONDO:0005021, HP:0001644. Inheritance: Various modes of inheritance.
Cardiovascular phenotype. Identifiers: MedGen CN230736.
Cardiomyopathy (CMYO). Also called: Cardiomyopathies. Identifiers: Orphanet 167848, MedGen C0878544, MONDO:0004994, HP:0001638. Inheritance: Various modes of inheritance.

Allele frequency attached by ClinVar (database versions not stated): TOPMed 0.00001; gnomAD 0.00001.
gnomAD v4.1: 3 of 1,599,806 alleles (0.00019%); highest among the groups gnomAD compares: Non-Finnish European, 0.00026%; no homozygotes.

Submissions (6):

Labcorp Genetics (formerly Invitae), Labcorp
Classification: Likely benign for Charcot-Marie-Tooth disease type 2. Last evaluated: 2026-01-18. Review status: criteria provided, single submitter. Criteria: Invitae Variant Classification Sherloc (09022015). Collection method: clinical testing. Allele origin: germline.

All of Us Research Program, National Institutes of Health
Classification: Likely benign for Primary dilated cardiomyopathy. Last evaluated: 2024-01-11. Review status: criteria provided, single submitter. Criteria: ACMG Guidelines, 2015. Collection method: clinical testing. Allele origin: germline. Inheritance: Autosomal dominant inheritance. Observed: 2 variant alleles, 2 heterozygotes.
Comment: This study involves interpretation of variants in research participants for the purpose of population health screening. Participant phenotype was not available at the time of variant classification. Additional details can be found in publication PMID: 35346344, PMCID: PMC8962531

Color Diagnostics, LLC DBA Color Health
Classification: Likely benign for Cardiomyopathy. Last evaluated: 2021-09-21. Review status: criteria provided, single submitter. Criteria: ACMG Guidelines, 2015. Collection method: clinical testing. Allele origin: germline.

GeneDx
Classification: Uncertain significance. Last evaluated: 2017-07-25. Review status: criteria provided, single submitter. Criteria: GeneDx Variant Classification (06012015). Collection method: clinical testing. Allele origin: germline. Affected: yes.
Comment: A variant of uncertain significance has been identified in the LMNA gene. The c.111 G>A variant has not been published as pathogenic or been reported as benign to our knowledge. This variant is not observed in large population cohorts (Lek et al., 2016; 1000 Genomes Consortium et al., 2015; Exome Variant Server). This nucleotide substitution does not change the encoded amino acid and the nucleotide position (G) is only conserved in mammals. Several in silico splice algorithms do not predict that this change results in abnormal gene splicing; however, in the absence of functional mRNA studies, the physiological consequence of this variant cannot be precisely determined.

Eurofins Ntd Llc (ga)
Classification: Uncertain significance. Last evaluated: 2016-08-23. Review status: criteria provided, single submitter. Criteria: EGL Classification Definitions 2015. Collection method: clinical testing. Allele origin: germline. Observed: 1 variant allele, 1 heterozygote.

Ambry Genetics
Classification: Likely benign for Cardiovascular phenotype. Last evaluated: 2013-10-21. Review status: criteria provided, single submitter. Criteria: Ambry Autosomal Dominant and X-Linked criteria (10/2015). Collection method: clinical testing. Allele origin: germline. Observed: 1 variant allele.

NM_170707.4(LMNA):c.111G>A (p.Glu37=)

Gene: LMNA (lamin A/C; plus strand). Cytogenetic location: 1q22.
Variant type: single nucleotide variant.
Coding change: c.111G>A on transcript NM_170707.4 (MANE Select); coding-DNA position 111, G replaced by A.
Protein change: p.Glu37=; no amino-acid change (glutamic acid 37 retained).
Molecular consequence: synonymous variant.
Genome position (GRCh38, 1-based): chr1:156,115,029, G>A. VCF-style: chr1-156115029-G-A. GRCh37 (hg19) VCF-style: chr1-156084820-G-A.
Other names: c.111G>A, p.Glu37= (NM_001282625.2, NM_001282626.2, NM_005572.4 and 1 more transcripts).
Identifiers: ClinVar variation 263718 (VCV000263718.12), dbSNP rs886038906, ClinGen allele CA10587413.